The following is an entry in ClinVar:

ClinVar aggregate classification (germline): Benign/Likely benign. Review status: criteria provided, multiple submitters, no conflicts (2 of 4 stars). 9 submissions from 8 submitters: Benign (8); Likely benign (1). Last evaluated 2026-02-02.

Conditions:
Ehlers-Danlos syndrome, arthrochalasia type, 2. Also called: EHLERS-DANLOS SYNDROME, TYPE VIIB, AUTOSOMAL DOMINANT. Identifiers: MedGen CN293783, MONDO:0040501, OMIM 617821.
Osteogenesis imperfecta type I (OI1). Also called: Lobstein disease; Osteogenesis imperfecta type 1; Lobstein's Disease; OI, TYPE I; OSTEOGENESIS IMPERFECTA TARDA; OSTEOGENESIS IMPERFECTA WITH BLUE SCLERAE. Identifiers: Orphanet 216796, Orphanet 666, MedGen C0023931, MONDO:0008146, OMIM 166200. Disease mechanism: loss of function.
Ehlers-Danlos syndrome, classic type, 1 (EDSCL1). Also called: Ehlers-Danlos syndrome, type 1; EHLERS-DANLOS SYNDROME, GRAVIS TYPE; EHLERS-DANLOS SYNDROME, SEVERE CLASSIC TYPE; EDS I; Ehlers-Danlos Syndrome, Classic Type, COL5A1-Related. Identifiers: MedGen C0268335, MONDO:0019567, OMIM 130000.
Osteogenesis imperfecta (OI). Identifiers: Orphanet 666, MedGen C0029434, MeSH D010013, MONDO:0019019.

Allele frequency attached by ClinVar (database versions not stated): gnomAD exomes 0.00390; ExAC 0.01240; gnomAD 0.01617 and 0.01736; ESP Exome Variant Server 0.01644; 1000 Genomes Project 0.01797; 1000 Genomes Project 30x 0.01874; TOPMed 0.01882.
gnomAD v4.1: 3,653 of 903,740 alleles (0.4%); highest among the groups gnomAD compares: African/African-American, 5.4%; 84 homozygotes.

Submissions (9):

Labcorp Genetics (formerly Invitae), Labcorp
Classification: Benign for Osteogenesis imperfecta type I; Ehlers-Danlos syndrome, classic type, 1. Last evaluated: 2026-02-02. Review status: criteria provided, single submitter. Criteria: Invitae Variant Classification Sherloc (09022015). Collection method: clinical testing. Allele origin: germline.

Athena Diagnostics
Classification: Benign. Last evaluated: 2025-11-04. Review status: criteria provided, single submitter. Criteria: Athena Diagnostics Criteria. Collection method: clinical testing. Allele origin: unknown.
Comment: The frequency of this variant in the general population is higher than would generally be expected for pathogenic variants in this gene.

ARUP Laboratories, Molecular Genetics and Genomics, ARUP Laboratories
Classification: Benign. Last evaluated: 2025-07-24. Review status: criteria provided, single submitter. Criteria: ARUP Molecular Germline Variant Investigation Process 2024. Collection method: clinical testing. Allele origin: germline.

Blueprint Genetics
Classification: Likely benign. Last evaluated: 2024-11-20. Review status: criteria provided, single submitter. Criteria: ACMG Guidelines, 2015. Collection method: clinical testing. Allele origin: germline.

Illumina Laboratory Services, Illumina
Classification: Benign for Osteogenesis imperfecta. Last evaluated: 2018-01-13. Review status: criteria provided, single submitter. Criteria: ICSL Variant Classification Criteria 13 December 2019. Collection method: clinical testing. Allele origin: germline.
Comment: This variant was observed in the ICSL laboratory as part of a predisposition screen in an ostensibly healthy population. It had not been previously curated by ICSL or reported in the Human Gene Mutation Database (HGMD: prior to June 1st, 2018), and was therefore a candidate for classification through an automated scoring system. Utilizing variant allele frequency, disease prevalence and penetrance estimates, and inheritance mode, an automated score was calculated to assess if this variant is too frequent to cause the disease. Based on the score and internal cut-off values, a variant classified as benign is not then subjected to further curation. The score for this variant resulted in a classification of benign for this disease.

Illumina Laboratory Services, Illumina
Classification: Benign for Ehlers-Danlos syndrome, arthrochalasia type, 2. Last evaluated: 2018-01-13. Review status: criteria provided, single submitter. Criteria: ICSL Variant Classification Criteria 13 December 2019. Collection method: clinical testing. Allele origin: germline.
Comment: the same text as in the submission from Illumina Laboratory Services, Illumina above.

GeneDx
Classification: Benign. Last evaluated: 2016-06-06. Review status: criteria provided, single submitter. Criteria: GeneDx Variant Classification (06012015). Collection method: clinical testing. Allele origin: germline. Affected: yes.
Comment: This variant is considered likely benign or benign based on one or more of the following criteria: it is a conservative change, it occurs at a poorly conserved position in the protein, it is predicted to be benign by multiple in silico algorithms, and/or has population frequency not consistent with disease.

Eurofins Ntd Llc (ga)
Classification: Benign. Last evaluated: 2014-07-14. Review status: criteria provided, single submitter. Criteria: EGL Classification Definitions 2015. Collection method: clinical testing. Allele origin: germline. Observed: 2 variant alleles, 2 heterozygotes.

Breakthrough Genomics
Classification: Benign. Review status: criteria provided, single submitter. Criteria: ACMG Guidelines, 2015. Collection method: not provided. Allele origin: germline. Inheritance: Autosomal recessive inheritance. Affected: yes.

NM_000089.4(COL1A2):c.82-12A>G

Gene: COL1A2 (collagen type I alpha 2 chain; plus strand). Cytogenetic location: 7q21.3.
Variant type: single nucleotide variant.
Coding change: c.82-12A>G on transcript NM_000089.4 (MANE Select); 12 bases into the intron before coding-DNA position 82, A replaced by G.
Molecular consequence: intron variant.
Genome position (GRCh38, 1-based): chr7:94,398,370, A>G. VCF-style: chr7-94398370-A-G. GRCh37 (hg19) VCF-style: chr7-94027682-A-G.
Identifiers: ClinVar variation 196206 (VCV000196206.32), dbSNP rs143689469, ClinGen allele CA202196.